The following is an entry in ClinVar:

NM_001211.6(BUB1B):c.2463T>A (p.His821Gln)

Gene: BUB1B (BUB1 mitotic checkpoint serine/threonine kinase B; plus strand). Cytogenetic location: 15q15.1.
Variant type: single nucleotide variant.
Coding change: c.2463T>A on transcript NM_001211.6 (MANE Select); coding-DNA position 2463, T replaced by A.
Protein change: p.His821Gln; replaces histidine 821 with glutamine.
Molecular consequence: missense variant.
Genome position (GRCh38, 1-based): chr15:40,212,576, T>A. VCF-style: chr15-40212576-T-A. GRCh37 (hg19) VCF-style: chr15-40504777-T-A.
Other names: short protein forms H821Q.
Identifiers: ClinVar variation 1791666 (VCV001791666.6), dbSNP rs2037727847, ClinGen allele CA391695301.
Genomic context (GRCh38, chr15:40,212,576, plus strand): 5'-CCCATGGGACTTTTATATCAACCTCAAGTTAAAGGAACGTTTAAATGAAGATTTTGATCA[T>A]TTTTGCAGCTGTTATCAATATCAAGATGGCTGTATTGTTTGGCACCAATATATAAACTGC-3'
Protein context (NP_001202.5, residues 811-831): LKERLNEDFD[His821Gln]FCSCYQYQDG

ClinVar aggregate classification (germline): Uncertain significance. Review status: criteria provided, multiple submitters, no conflicts (2 of 4 stars). 2 submissions from 2 submitters: Uncertain significance (2). Last evaluated 2024-06-12.

Conditions:
Mosaic variegated aneuploidy syndrome 1 (MVA1). Also called: Warburton-Anyane-Yeboa syndrome. Identifiers: Orphanet 1052, MedGen C1850343, MONDO:0009759, OMIM 257300.
Inborn genetic diseases. Identifiers: MedGen C0950123, MeSH D030342.

gnomAD v4.1: 4 of 1,613,594 alleles (0.00025%); highest among the groups gnomAD compares: Non-Finnish European, 0.00034%; no homozygotes.

Submissions (2):

Ambry Genetics
Classification: Uncertain significance for Inborn genetic diseases. Last evaluated: 2024-06-12. Review status: criteria provided, single submitter. Criteria: Ambry Variant Classification Scheme 2023. Collection method: clinical testing. Allele origin: germline.
Comment: The p.H821Q variant (also known as c.2463T>A), located in coding exon 19 of the BUB1B gene, results from a T to A substitution at nucleotide position 2463. The histidine at codon 821 is replaced by glutamine, an amino acid with highly similar properties. This amino acid position is conserved. In addition, this alteration is predicted to be tolerated by in silico analysis. Since supporting evidence is limited at this time, the clinical significance of this alteration remains unclear.

Labcorp Genetics (formerly Invitae), Labcorp
Classification: Uncertain significance for Mosaic variegated aneuploidy syndrome 1. Last evaluated: 2023-01-05. Review status: criteria provided, single submitter. Criteria: Invitae Variant Classification Sherloc (09022015). Collection method: clinical testing. Allele origin: germline.
Comment: In summary, the available evidence is currently insufficient to determine the role of this variant in disease. Therefore, it has been classified as a Variant of Uncertain Significance. This variant is not present in population databases (gnomAD no frequency). This sequence change replaces histidine, which is basic and polar, with glutamine, which is neutral and polar, at codon 821 of the BUB1B protein (p.His821Gln). This variant has not been reported in the literature in individuals affected with BUB1B-related conditions. ClinVar contains an entry for this variant (Variation ID: 1791666). Algorithms developed to predict the effect of missense changes on protein structure and function output the following: SIFT: "Tolerated"; PolyPhen-2: "Benign"; Align-GVGD: "Class C0". The glutamine amino acid residue is found in multiple mammalian species, which suggests that this missense change does not adversely affect protein function.